The following is an entry in ClinVar:

ClinVar aggregate classification (germline): Likely pathogenic (1 of 4 stars; one submission).

Conditions:
Hereditary cancer-predisposing syndrome. Also called: Neoplastic Syndromes, Hereditary; Tumor predisposition; Hereditary Cancer Syndrome; Hereditary neoplastic syndrome. Identifiers: Orphanet 140162, MedGen C0027672, MeSH D009386, MONDO:0015356.

Submissions (2):

Ambry Genetics
Classification: Likely pathogenic for Hereditary cancer-predisposing syndrome. Last evaluated: 2025-07-07. Review status: criteria provided, single submitter. Criteria: Ambry Variant Classification Scheme 2023. Collection method: clinical testing. Allele origin: germline.
Comment: The p.C27G variant (also known as c.79T>G), located in coding exon 1 of the BRCA1 gene, results from a T to G substitution at nucleotide position 79. The cysteine at codon 27 is replaced by glycine, an amino acid with highly dissimilar properties. One functional study found that this nucleotide substitution is non-functional in a high throughput genome editing haploid cell survival assay (Findlay GM et al. Nature, 2018 Oct;562:217-222) and demonstrated impaired BARD1 binding and E3 ubiquitin ligase activity (Starita LM et al. Genetics, 2015 Jun;200:413-22). In addition, another assay testing BRCA1 function showed a functionally abnormal result (Starita LM et al. Am J Hum Genet, 2018 Oct;103:498-508). This amino acid position is highly conserved in available vertebrate species. In addition, this alteration is predicted to be deleterious by in silico analysis. This variant is considered to be rare based on population cohorts in the Genome Aggregation Database (gnomAD). Based on the majority of available evidence to date, this variant is likely to be pathogenic.

Brotman Baty Institute, University of Washington
No classification provided (evidence only). Condition: Breast-ovarian cancer, familial 1. Review status: no classification provided. Collection method: in vitro. Allele origin: not applicable. Functional consequence: functionally_abnormal. Not counted in ClinVar's aggregate classification.
ClinVar note: "not provided" was previously submitted as the classification for the variant. However, the classification appeared to be based only on an observation of functional data so it was converted to no classification on 2025-07-30.

Literature cited by the submitters: PubMed 25823446 (cited by Ambry Genetics); PubMed 30209399 (cited by Ambry Genetics); PubMed 30219179 (cited by Ambry Genetics).

NM_007294.4(BRCA1):c.79T>G (p.Cys27Gly)

Gene: BRCA1 (BRCA1 DNA repair associated; minus strand). Cytogenetic location: 17q21.31.
Variant type: single nucleotide variant.
Coding change: c.79T>G on transcript NM_007294.4 (MANE Select); coding-DNA position 79, T replaced by G.
Protein change: p.Cys27Gly; replaces cysteine 27 with glycine.
Molecular consequence: missense variant. On other transcripts: 5 prime UTR variant (1), non-coding transcript variant (1).
Genome position (GRCh38, 1-based): chr17:43,124,018, A>C on the plus strand (T>G on the coding strand, the complement: BRCA1 is on the minus strand). VCF-style: chr17-43124018-A-C. GRCh37 (hg19) VCF-style: chr17-41276035-A-C.
Other names: c.79T>G, p.Cys27Gly (NM_001408434.1, NM_001408435.1, NM_001408436.1 and 192 more transcripts); c.79T>G, p.Trp27Gly (NM_001408451.1); c.-182T>G (NM_001408452.1, NM_001408462.1, NM_001408463.1 and 22 more transcripts); c.-9T>G (NM_001408454.1, NM_001408459.1, NM_001408460.1 and 23 more transcripts); c.-179T>G (NM_001408455.1, NM_001408456.1, NM_001408468.1 and 11 more transcripts); c.-183T>G (NM_001408465.1, NM_001407695.1); c.-110T>G (NM_001408478.1, NM_001408479.1, NM_001408480.1 and 46 more transcripts); c.-255T>G (NM_001408482.1); and 9 more; short protein forms C27G, W27G.
Identifiers: ClinVar variation 867751 (VCV000867751.4), dbSNP rs2055713838, ClinGen allele CA10601999.